The following is an entry in ClinVar:

ClinVar aggregate classification (germline): Conflicting classifications of pathogenicity. Review status: criteria provided, conflicting classifications (1 of 4 stars). 2 submissions from 2 submitters: Uncertain significance (1); Likely benign (1). Last evaluated 2025-11-03.

Conditions:
Early-infantile DEE. Also called: Ohtahara syndrome; Early infantile epileptic encephalopathy; Early infantile epileptic encephalopathy with suppression bursts. Identifiers: Orphanet 1934, MedGen C0393706, MONDO:0800491.

Allele frequency attached by ClinVar (database versions not stated): gnomAD exomes 0.00014 and 0.00004; 1000 Genomes Project 30x 0.00016; ExAC 0.00017; 1000 Genomes Project 0.00020; gnomAD 0.00044 and 0.00045; TOPMed 0.00055; ESP Exome Variant Server 0.00062.

Submissions (2):

Labcorp Genetics (formerly Invitae), Labcorp
Classification: Likely benign for Early-infantile DEE. Last evaluated: 2025-11-03. Review status: criteria provided, single submitter. Criteria: Invitae Variant Classification Sherloc (09022015). Collection method: clinical testing. Allele origin: germline.

Center for Genomics, Ann and Robert H. Lurie Children's Hospital of Chicago
Classification: Uncertain significance. Last evaluated: 2022-10-28. Review status: criteria provided, single submitter. Criteria: ACMG Guidelines, 2015. Collection method: clinical testing. Allele origin: germline.
Comment: This variant has not been reported in the literature but is present in the Genome Aggregation Database (Highest reported MAF 0.1% (53/36796). This variant is present in ClinVar (Variation ID:695904). Evolutionary conservation and computational predictive tools suggest that this variant may not impact the protein. In summary, data on this variant is insufficient for disease classification. Therefore, the clinical significance of this variant is uncertain.

NM_173728.4(ARHGEF15):c.256G>A (p.Asp86Asn)

Gene: ARHGEF15 (Rho guanine nucleotide exchange factor 15; plus strand). Cytogenetic location: 17p13.1.
Variant type: single nucleotide variant.
Coding change: c.256G>A on transcript NM_173728.4 (MANE Select); coding-DNA position 256, G replaced by A.
Protein change: p.Asp86Asn; replaces aspartic acid 86 with asparagine.
Molecular consequence: missense variant.
Genome position (GRCh38, 1-based): chr17:8,312,295, G>A. VCF-style: chr17-8312295-G-A. GRCh37 (hg19) VCF-style: chr17-8215613-G-A.
Other names: c.256G>A, p.Asp86Asn (NM_025014.2); short protein forms D86N.
Identifiers: ClinVar variation 695904 (VCV000695904.12), dbSNP rs146257701, ClinGen allele CA8374817.